The following is an entry in ClinVar:

ClinVar aggregate classification (germline): Uncertain significance (0 of 4 stars; one submission).

Conditions:
CREBBP-related disorder. Also called: CREBBP-related condition; CREBBP-related disorders.

gnomAD v4.1: 5 of 1,613,332 alleles (0.00031%); highest among the groups gnomAD compares: East Asian, 0.0022%; no homozygotes.

Submission:

PreventionGenetics, part of Exact Sciences
Classification: Uncertain significance for CREBBP-related condition. Last evaluated: 2024-04-18. Review status: no assertion criteria provided. Collection method: clinical testing. Allele origin: germline.
Comment: The CREBBP c.6214C>T variant is predicted to result in the amino acid substitution p.Arg2072Trp. To our knowledge, this variant has not been reported in the literature. This variant is reported in 0.00089% of alleles in individuals of European (Non-Finnish) descent in gnomAD. At this time, the clinical significance of this variant is uncertain due to the absence of conclusive functional and genetic evidence.

NM_004380.3(CREBBP):c.6214C>T (p.Arg2072Trp)

Gene: CREBBP (CREB binding lysine acetyltransferase; minus strand). Cytogenetic location: 16p13.3.
Variant type: single nucleotide variant.
Coding change: c.6214C>T on transcript NM_004380.3 (MANE Select); coding-DNA position 6214, C replaced by T.
Protein change: p.Arg2072Trp; replaces arginine 2072 with tryptophan.
Molecular consequence: missense variant.
Genome position (GRCh38, 1-based): chr16:3,728,833, G>A on the plus strand (C>T on the coding strand, the complement: CREBBP is on the minus strand). VCF-style: chr16-3728833-G-A. GRCh37 (hg19) VCF-style: chr16-3778834-G-A.
Other names: c.6100C>T, p.Arg2034Trp (NM_001079846.1); short protein forms R2034W, R2072W.
Identifiers: ClinVar variation 3345524 (VCV003345524.1).